The following is an entry in ClinVar:

NM_145868.2(ANXA11):c.1054G>A (p.Val352Met)

Gene: ANXA11 (annexin A11; minus strand). Cytogenetic location: 10q22.3.
Variant type: single nucleotide variant.
Coding change: c.1054G>A on transcript NM_145868.2 (MANE Select); coding-DNA position 1054, G replaced by A.
Protein change: p.Val352Met; replaces valine 352 with methionine.
Molecular consequence: missense variant.
Genome position (GRCh38, 1-based): chr10:80,163,381, C>T on the plus strand (G>A on the coding strand, the complement: ANXA11 is on the minus strand). VCF-style: chr10-80163381-C-T. GRCh37 (hg19) VCF-style: chr10-81923137-C-T.
Other names: c.1054G>A, p.Val352Met (NM_001157.3, NM_001278407.2, NM_001278408.2 and 1 more transcripts); c.955G>A, p.Val319Met (NM_001278409.2); short protein forms V319M, V352M.
Identifiers: ClinVar variation 2079519 (VCV002079519.4), dbSNP rs755085098, ClinGen allele CA5575955.

ClinVar aggregate classification (germline): Uncertain significance (1 of 4 stars; one submission).

Allele frequency attached by ClinVar (database versions not stated): ExAC 0.00002; gnomAD 0.00003; TOPMed 0.00002; gnomAD exomes 0.00001.
gnomAD v4.1: 11 of 1,613,734 alleles (0.00068%); highest among the groups gnomAD compares: Middle Eastern, 0.017%; no homozygotes.

Submission:

Labcorp Genetics (formerly Invitae), Labcorp
Classification: Uncertain significance. Last evaluated: 2023-03-15. Review status: criteria provided, single submitter. Criteria: Invitae Variant Classification Sherloc (09022015). Collection method: clinical testing. Allele origin: germline.
Comment: In summary, the available evidence is currently insufficient to determine the role of this variant in disease. Therefore, it has been classified as a Variant of Uncertain Significance. An algorithm developed to predict the effect of missense changes on protein structure and function (PolyPhen-2) suggests that this variant is likely to be tolerated. ClinVar contains an entry for this variant (Variation ID: 2079519). This variant has not been reported in the literature in individuals affected with ANXA11-related conditions. This variant is present in population databases (rs755085098, gnomAD 0.02%). This sequence change replaces valine, which is neutral and non-polar, with methionine, which is neutral and non-polar, at codon 352 of the ANXA11 protein (p.Val352Met).